The following is an entry in ClinVar:

NM_032229.3(SLITRK6):c.284T>G (p.Leu95Arg)

Gene: SLITRK6 (SLIT and NTRK like family member 6; minus strand). Cytogenetic location: 13q31.1.
Variant type: single nucleotide variant.
Coding change: c.284T>G on transcript NM_032229.3 (MANE Select); coding-DNA position 284, T replaced by G.
Protein change: p.Leu95Arg; replaces leucine 95 with arginine.
Molecular consequence: missense variant.
Genome position (GRCh38, 1-based): chr13:85,796,225, A>C on the plus strand (T>G on the coding strand, the complement: SLITRK6 is on the minus strand). VCF-style: chr13-85796225-A-C. GRCh37 (hg19) VCF-style: chr13-86370360-A-C.
Other names: short protein forms L95R.
Identifiers: ClinVar variation 4531461 (VCV004531461.1).

ClinVar aggregate classification (germline): Uncertain significance (1 of 4 stars; one submission).

Conditions:
High myopia-sensorineural deafness syndrome. Also called: Deafness and myopia. Identifiers: Orphanet 363396, MedGen C3806275, MONDO:0009082, OMIM 221200.

Submission:

Victorian Clinical Genetics Services, Murdoch Childrens Research Institute
Classification: Uncertain significance for High myopia-sensorineural deafness syndrome. Last evaluated: 2025-07-14. Review status: criteria provided, single submitter. Criteria: ACMG Guidelines, 2015. Collection method: clinical testing. Allele origin: germline. Affected: yes.
Comment: This variant is classified as VUS-3A. Evidence in support of pathogenic classification: Variant is absent from gnomAD (v2, v3 and v4); Missense variant predicted to be damaging by in silico tool(s) or highly conserved with a major amino acid change. Additional information: Variant is predicted to result in a missense amino acid change from Leu to Arg; This variant is homozygous; This gene is associated with autosomal recessive disease; Alternative amino acid change(s) at the same position are present in gnomAD (Highest allele count: v4: 7 heterozygote(s), 0 homozygote(s)); This variant has no previous evidence of pathogenicity; No published evidence of segregation with disease has been identified for this variant; No published functional evidence has been identified for this variant; No comparable missense variants have previous evidence for pathogenicity; Variant is not located in an established domain, motif, hotspot or informative constraint region; Loss of function is a known mechanism of disease in this gene and is associated with deafness and myopia (MIM#221200).